The following is an entry in ClinVar:

ClinVar aggregate classification (germline): Uncertain significance (1 of 4 stars; one submission).

Allele frequency attached by ClinVar (database versions not stated): gnomAD exomes below 0.00001.
gnomAD v4.1: 2 of 1,613,798 alleles (0.00012%); highest among the groups gnomAD compares: Admixed American, 0.0017%; no homozygotes.

Submission:

Ambry Genetics
Classification: Uncertain significance. Last evaluated: 2023-05-08. Review status: criteria provided, single submitter. Criteria: Ambry Variant Classification Scheme 2023. Collection method: clinical testing. Allele origin: germline.
Comment: The p.T681A variant (also known as c.2041A>G), located in coding exon 20 of the KIF1B gene, results from an A to G substitution at nucleotide position 2041. The threonine at codon 681 is replaced by alanine, an amino acid with similar properties. This amino acid position is highly conserved in available vertebrate species. In addition, this alteration is predicted to be tolerated by in silico analysis. Since supporting evidence is limited at this time, the clinical significance of this alteration remains unclear.

NM_001365951.3(KIF1B):c.2179A>G (p.Thr727Ala)

Gene: KIF1B (kinesin family member 1B; plus strand). Cytogenetic location: 1p36.22.
Variant type: single nucleotide variant.
Coding change: c.2179A>G on transcript NM_001365951.3 (MANE Select); coding-DNA position 2179, A replaced by G.
Protein change: p.Thr727Ala; replaces threonine 727 with alanine.
Molecular consequence: missense variant.
Genome position (GRCh38, 1-based): chr1:10,320,106, A>G. VCF-style: chr1-10320106-A-G. GRCh37 (hg19) VCF-style: chr1-10380164-A-G.
Other names: c.2179A>G, p.Thr727Ala (NM_001365952.1); c.2041A>G, p.Thr681Ala (NM_015074.3); short protein forms T681A, T727A.
Identifiers: ClinVar variation 1784907 (VCV001784907.3), dbSNP rs1213056971, ClinGen allele CA338332367.